The following is an entry in ClinVar:

ClinVar aggregate classification (germline): Conflicting classifications of pathogenicity. Review status: criteria provided, conflicting classifications (1 of 4 stars). 5 submissions from 5 submitters: Pathogenic (2); Likely pathogenic (1); Uncertain significance (1). 1 of the submissions does not count toward it. Last evaluated 2026-07-14.

Conditions:
HBD-related disorder. Also called: HBD-related condition; HBD-Related Disorders.
Delta-beta-thalassemia. Identifiers: Orphanet 231237, MedGen C0271985, MONDO:0016489.

Allele frequency attached by ClinVar (database versions not stated): gnomAD 0.00004 and 0.00078; TOPMed 0.00019; gnomAD exomes 0.00296; 1000 Genomes Project 30x 0.00437; 1000 Genomes Project 0.00439.

Submissions (5):

PreventionGenetics, part of Exact Sciences
Classification: Likely pathogenic for HBD-related condition. Last evaluated: 2026-07-14. Review status: criteria provided, single submitter. Criteria: ACMG Guidelines, 2015. Collection method: clinical testing. Allele origin: germline.
Comment: The HBD c.-118C>T variant is located in the 5' untranslated region. This variant, also referred to as c.-68C>T, has been reported in multiple individuals with delta-thalassemia (Table 1, Bouva et al. 2006. PubMed ID: 16434382; Alkindi et al. 2014. PubMed ID: 25043855; Table 2, Hanart et al. 2023. PubMed ID: 37276945). This variant is reported in one allele out of ~31,000 alleles in gnomAD. An in vitro experimental study suggests this variant reduces the expression of HBD protein (Figure 1, Alsultan et al. 2012. PubMed ID: 22641479). This variant is classified as pathogenic in ClinVar (Variation ID: 1163920). This variant is interpreted as likely pathogenic.

Department of Pathology and Laboratory Medicine, Sinai Health System
Classification: Uncertain significance for delta-beta-thalassemia. Last evaluated: 2023-09-22. Review status: criteria provided, single submitter. Criteria: ACMG Guidelines, 2015. Collection method: research. Allele origin: germline.

CeGaT Center for Human Genetics Tuebingen
Classification: Pathogenic. Last evaluated: 2021-12-01. Review status: criteria provided, single submitter. Criteria: CeGaT Center For Human Genetics Tuebingen Variant Classification Criteria Version 2. Collection method: clinical testing. Allele origin: germline. Affected: yes. Observed: 1 variant allele.

Mayo Clinic Laboratories, Mayo Clinic
Classification: Pathogenic. Last evaluated: 2020-08-21. Review status: criteria provided, single submitter. Criteria: ACMG Guidelines, 2015. Collection method: clinical testing. Allele origin: germline. Observed: 1 variant allele.
Comment: PS3, PS4_moderate, PM1, PM2, PP3

MOLECULAR BIOLOGY AND HUMAN GENETICS DIVISION, THE UNIVERSITY OF BURDWAN
Classification: Pathogenic for Delta-beta-thalassemia. Last evaluated: 2024-05-06. Review status: no assertion criteria provided. Collection method: research. Allele origin: germline. Inheritance: Autosomal recessive inheritance. Affected: yes. Observed: 1 heterozygote. Not counted in ClinVar's aggregate classification.
Comment: The variant rs549964658, present in the 2KB_upstream of HBD gene. For this ambiguous HPLC profile, we did target NGS of entire Bet globin gene cluster and found this delta mutation present along the other beta mutation IVS 1-5 (G>C) ].

Literature cited by the submitters: PubMed 16434382 (cited by Mayo Clinic Laboratories, Mayo Clinic and MOLECULAR BIOLOGY AND HUMAN GENETICS DIVISION, THE UNIVERSITY OF BURDWAN); PubMed 9207479 (cited by Mayo Clinic Laboratories, Mayo Clinic); PubMed 22641479 (cited by Mayo Clinic Laboratories, Mayo Clinic); PubMed 25043855 (cited by Mayo Clinic Laboratories, Mayo Clinic).

NM_000519.4(HBD):c.-118C>T

Genes: HBD (hemoglobin subunit delta; minus strand), LOC109951029 (delta-globin 5' regulatory region; plus strand). Cytogenetic location: 11p15.4.
Variant type: single nucleotide variant.
Coding change: c.-118C>T on transcript NM_000519.4 (MANE Select); 118 bases upstream of the start codon, C replaced by T.
Genome position (GRCh38, 1-based): chr11:5,234,551, G>A on the plus strand (C>T on the coding strand, the complement: HBD is on the minus strand). VCF-style: chr11-5234551-G-A. GRCh37 (hg19) VCF-style: chr11-5255781-G-A.
Identifiers: ClinVar variation 1163920 (VCV001163920.42), dbSNP rs549964658, ClinGen allele CA217124554.
Genomic context (GRCh38, chr11:5,234,551, plus strand): 5'-AGTCGACTCTGCCCTGCCTTTTATGCTGGTCCTGTCCTCCCTGCTCCAGTGAGCAGGTTG[G>A]TTTAAGATAAGCAGGGTTTCATTAGTTTGTGAGAATGAAAAATGAACCTTCATTCCACTA-3'